The following is an entry in ClinVar:

NM_001048174.2(MUTYH):c.1436G>A (p.Gly479Asp)

Gene: MUTYH (mutY DNA glycosylase; minus strand). Cytogenetic location: 1p34.1.
Variant type: single nucleotide variant.
Coding change: c.1436G>A on transcript NM_001048174.2 (MANE Select); coding-DNA position 1436, G replaced by A.
Protein change: p.Gly479Asp; replaces glycine 479 with aspartic acid.
Molecular consequence: missense variant. On other transcripts: non-coding transcript variant (7).
Genome position (GRCh38, 1-based): chr1:45,329,436, C>T on the plus strand (G>A on the coding strand, the complement: MUTYH is on the minus strand). VCF-style: chr1-45329436-C-T. GRCh37 (hg19) VCF-style: chr1-45795108-C-T.
Other names: c.1436G>A, p.Gly479Asp (NM_001048171.2, NM_001048173.2, NM_001293195.2 and 6 more transcripts); c.1439G>A, p.Gly480Asp (NM_001048172.2, NM_001407071.1, NM_001407078.1 and 1 more transcripts); c.1520G>A, p.Gly507Asp (NM_001128425.2); c.1481G>A, p.Gly494Asp (NM_001293190.2); c.1469G>A, p.Gly490Asp (NM_001293191.2, NM_001407069.1, NM_001407077.1); c.1160G>A, p.Gly387Asp (NM_001293192.2, NM_001293196.2, NM_001407091.1); c.1091G>A, p.Gly364Asp (NM_001350650.2, NM_001350651.2, NM_001407082.1); c.1457G>A, p.Gly486Asp (NM_001407087.1); and 5 more; short protein forms G494D, G364D, G486D, G507D, G451D, G466D, G479D, G480D.
Identifiers: ClinVar variation 3647743 (VCV003647743.3).
Genomic context (GRCh38, chr1:45,329,436, plus strand): 5'-TGCTGGCCCATGCGGGGCTTTTTCCGACTGCACGGAGAGGACACCTGGGACCTTTTGGAA[C>T]CCTGTGAAAAAATGGAAGGAGGGAGGCCTTGTAGTTGGGGGAGGGGGAGCAGAGAATCCT-3'
Protein context (NP_001041639.1, residues 469-489): YQGQQPGTCM[Gly479Asp]SKRSQVSSPC

ClinVar aggregate classification (germline): Uncertain significance. Review status: criteria provided, multiple submitters, no conflicts (2 of 4 stars). 2 submissions from 2 submitters: Uncertain significance (2). Last evaluated 2025-08-27.

Conditions:
Hereditary cancer-predisposing syndrome. Also called: Neoplastic Syndromes, Hereditary; Tumor predisposition; Hereditary Cancer Syndrome; Hereditary neoplastic syndrome. Identifiers: Orphanet 140162, MedGen C0027672, MeSH D009386, MONDO:0015356.
Familial adenomatous polyposis 2. Also called: FAP type 2; COLORECTAL ADENOMATOUS POLYPOSIS, AUTOSOMAL RECESSIVE; ADENOMAS, MULTIPLE COLORECTAL, AUTOSOMAL RECESSIVE; MYH-associated polyposis; Adenomas, multiple colorectal; MUTYH-associated polyposis. Identifiers: Orphanet 220460, Orphanet 247798, MedGen C3272841, MONDO:0012041, OMIM 608456.

Submissions (2):

Ambry Genetics
Classification: Uncertain significance for Hereditary cancer-predisposing syndrome. Last evaluated: 2025-08-27. Review status: criteria provided, single submitter. Criteria: Ambry Variant Classification Scheme 2023. Collection method: clinical testing. Allele origin: germline.
Comment: The p.G507D variant (also known as c.1520G>A), located in coding exon 16 of the MUTYH gene, results from a G to A substitution at nucleotide position 1520. The glycine at codon 507 is replaced by aspartic acid, an amino acid with similar properties. This amino acid position is conserved. In addition, this alteration is predicted to be tolerated by in silico analysis. Based on the available evidence, the clinical significance of this variant remains unclear.

Labcorp Genetics (formerly Invitae), Labcorp
Classification: Uncertain significance for Familial adenomatous polyposis 2. Last evaluated: 2024-03-26. Review status: criteria provided, single submitter. Criteria: Invitae Variant Classification Sherloc (09022015). Collection method: clinical testing. Allele origin: germline.
Comment: This sequence change replaces glycine, which is neutral and non-polar, with aspartic acid, which is acidic and polar, at codon 507 of the MUTYH protein (p.Gly507Asp). This variant is not present in population databases (gnomAD no frequency). This variant has not been reported in the literature in individuals affected with MUTYH-related conditions. An algorithm developed to predict the effect of missense changes on protein structure and function (PolyPhen-2) suggests that this variant is likely to be tolerated. In summary, the available evidence is currently insufficient to determine the role of this variant in disease. Therefore, it has been classified as a Variant of Uncertain Significance.